The following is an entry in ClinVar:

NM_001348716.2(KDM6B):c.1537del (p.Arg513fs)

Gene: KDM6B (lysine demethylase 6B; plus strand). Cytogenetic location: 17p13.1.
Variant type: Deletion.
Coding change: c.1537del on transcript NM_001348716.2 (MANE Select); coding-DNA position 1537, one base deleted (C; older notation c.1537delC).
Protein change: p.Arg513fs; shifts the reading frame from arginine 513.
Molecular consequence: frameshift variant.
Genome position (GRCh38, 1-based): chr17:7,847,825, C deleted; the last of 7 consecutive C bases (chr17:7,847,819-7,847,825); deleting any one gives the same sequence. VCF-style (leftmost placement, unchanged base first): chr17-7847818-AC-A. GRCh37 (hg19) VCF-style: chr17-7751136-AC-A.
Other names: c.1537del, p.Arg513fs (NM_001080424.2); short protein forms R513fs.
Identifiers: ClinVar variation 4850781 (VCV004850781.1).

ClinVar aggregate classification (germline): Likely pathogenic (1 of 4 stars; one submission).

Conditions:
Neurodevelopmental disorder with coarse facies and mild distal skeletal abnormalities. Also called: STOLERMAN NEURODEVELOPMENTAL SYNDROME. Identifiers: MedGen C5193134, MONDO:0032790, OMIM 618505.

Submission:

Variantyx, Inc.
Classification: Likely pathogenic for Neurodevelopmental disorder with coarse facies and mild distal skeletal abnormalities. Last evaluated: 2025-08-21. Review status: criteria provided, single submitter. Criteria: Variantyx Assertion Criteria 2022. Collection method: clinical testing. Allele origin: germline. Inheritance: Autosomal dominant inheritance. Affected: yes.
Comment: This is a frameshift variant in the KDM6B gene (OMIM: 611577). Pathogenic variants in this gene have been associated with autosomal dominant Stolerman neurodevelopmental syndrome. This variant introduces a premature termination codon in exon 12 out of 24 and is expected to result in loss of function, which is a known disease mechanism for KDM6B in this disorder (PMID: 31124279) (PVS1). This variant has a 0.0016% maximum allele frequency in non-founder control populations (PM2), and it has not been reported in individuals with KDM6B-related disorders in the databases available for review.Based on the current evidence, this variant is classified as likely pathogenic for autosomal dominant Stolerman neurodevelopmental syndrome .Inheritance from an unaffected or mildly affected parent has been reported, consistent with incomplete penetrance and variable expressivity (PMID:37196654).

Literature cited by the submitters: PubMed 31124279; PubMed 37196654.